The following is an entry in ClinVar:

ClinVar aggregate classification (germline): Uncertain significance (1 of 4 stars; one submission).

Allele frequency attached by ClinVar (database versions not stated): gnomAD exomes below 0.00001.
gnomAD v4.1: 3 of 1,614,210 alleles (0.00019%); highest among the groups gnomAD compares: Non-Finnish European, 0.00017%; no homozygotes.

Submission:

Labcorp Genetics (formerly Invitae), Labcorp
Classification: Uncertain significance. Last evaluated: 2022-05-25. Review status: criteria provided, single submitter. Criteria: Invitae Variant Classification Sherloc (09022015). Collection method: clinical testing. Allele origin: germline.
Comment: Algorithms developed to predict the effect of missense changes on protein structure and function are either unavailable or do not agree on the potential impact of this missense change (SIFT: "Deleterious"; PolyPhen-2: "Benign"; Align-GVGD: "Class C25"). In summary, the available evidence is currently insufficient to determine the role of this variant in disease. Therefore, it has been classified as a Variant of Uncertain Significance. This variant has not been reported in the literature in individuals affected with MS4A1-related conditions. This variant is not present in population databases (gnomAD no frequency). This sequence change replaces serine, which is neutral and polar, with tyrosine, which is neutral and polar, at codon 25 of the MS4A1 protein (p.Ser25Tyr).

NM_152866.3(MS4A1):c.74C>A (p.Ser25Tyr)

Gene: MS4A1 (membrane spanning 4-domains A1; plus strand). Cytogenetic location: 11q12.2.
Variant type: single nucleotide variant.
Coding change: c.74C>A on transcript NM_152866.3 (MANE Select); coding-DNA position 74, C replaced by A.
Protein change: p.Ser25Tyr; replaces serine 25 with tyrosine.
Molecular consequence: missense variant.
Genome position (GRCh38, 1-based): chr11:60,462,448, C>A. VCF-style: chr11-60462448-C-A. GRCh37 (hg19) VCF-style: chr11-60229921-C-A.
Other names: c.74C>A, p.Ser25Tyr (NM_021950.4, NM_152867.2); short protein forms S25Y.
Identifiers: ClinVar variation 1928433 (VCV001928433.5), dbSNP rs2495398726, ClinGen allele CA380597762.